The following is an entry in ClinVar:

ClinVar aggregate classification (germline): Uncertain significance. Review status: criteria provided, single submitter (1 of 4 stars). 2 submissions from 2 submitters: Uncertain significance (1). 1 of the submissions does not count toward it. Last evaluated 2021-03-22.

Conditions:
ATXN3-related disorder. Also called: ATXN3-related condition.
Tip-toe gait. Also called: Toe walking. Identifiers: MedGen C0427144, HP:0030051.

Allele frequency attached by ClinVar (database versions not stated): TOPMed 0.00021; ESP Exome Variant Server 0.00023; gnomAD exomes 0.00049 and 0.00110; gnomAD 0.00070 and 0.00073; ExAC 0.00114.
gnomAD v4.1: 814 of 1,583,252 alleles (0.051%); highest among the groups gnomAD compares: Non-Finnish European, 0.028%; 2 homozygotes.

Submissions (4):

Practice for Gait Abnormalities, David Pomarino, Competency Network Toe Walking C/o Practice Pomarino
Classification: Uncertain significance for Tip-toe gait. Last evaluated: 2021-03-22. Review status: criteria provided, single submitter. Criteria: ACMG Guidelines, 2015. Collection method: clinical testing. Allele origin: unknown. Affected: yes. Observed: 1 variant allele, 1 heterozygote.
Comment: Hereditary motor sensory neuropathy (HMSN), also known as Charcot-Marie-Tooth Disease (CMT), is the most commonly inherited peripheral polyneuropathy. It constitutes a group of inherited, progressive, motor and sensory peripheral nerve disorders with properties of demyelination, axonal degeneration, or both. It is classified by clinical characteristics, modes of inheritance, electrophysiologic features, metabolic defects, and specific gene markers. Our patients all walk on tiptoe, so they show similar symptoms. When we genetically test them with our toe walking panel, we find that around 90 per cent of them have a genetic variant that explains their toe walking. These can be assigned, for example, to the area of myopathies (such as variants of the COL6A3 gene), the area of hereditary neuropathies (such as variants of the KMT2C gene) or the area of metabolic diseases (such as variants of the PYGM gene). In a smaller group of patients with almost identical symptoms, no abnormality is found in the genes of our panel, but spastic paraplegia can be detected. In another small group of our toe walkers, no abnormalities can be detected in the genes analysed in our toe walking panel, nor do they suffer from spastic paraplegia, as is also the case with healthy children. In contrast to these, however, they show a tiptoe gait. These patients suffer from infantile cerebral palsy, in which toe walking can also be observed.

PreventionGenetics, part of Exact Sciences
Classification: Likely benign for ATXN3-related condition. Last evaluated: 2019-05-23. Review status: no assertion criteria provided. Collection method: clinical testing. Allele origin: germline. Not counted in ClinVar's aggregate classification.
Comment: This variant is classified as likely benign based on ACMG/AMP sequence variant interpretation guidelines (Richards et al. 2015 PMID: 25741868, with internal and published modifications).

Dr. Peter K. Rogan Lab, Western University
No classification provided (evidence only). Condition: Sarcoma. Review status: no classification provided. Collection method: in vitro. Allele origin: not applicable. Functional consequence: retained intron. Not counted in ClinVar's aggregate classification.

Dr. Peter K. Rogan Lab, Western University
No classification provided (evidence only). Condition: Sarcoma. Review status: no classification provided. Collection method: in vitro. Allele origin: not applicable. Functional consequence: retained intron. Not counted in ClinVar's aggregate classification.

Literature cited by the submitters: PubMed 37091313 (cited by Practice for Gait Abnormalities, David Pomarino, Competency Network Toe Walking C/o Practice Pomarino).

NM_004993.6(ATXN3):c.776-3C>T

Gene: ATXN3 (ataxin 3; minus strand). Cytogenetic location: 14q32.12.
Variant type: single nucleotide variant.
Coding change: c.776-3C>T on transcript NM_004993.6 (MANE Select); 3 bases into the intron before coding-DNA position 776, C replaced by T.
Molecular consequence: intron variant.
Genome position (GRCh38, 1-based): chr14:92,081,064, G>A on the plus strand (C>T on the coding strand, the complement: ATXN3 is on the minus strand). VCF-style: chr14-92081064-G-A. GRCh37 (hg19) VCF-style: chr14-92547408-G-A.
Other names: NC_000014.8:g.92547408G>A; c.776-3C>T (NM_004993.5); c.25-10011C>T (NM_001164782.2); c.413-3C>T (NM_001164779.2); c.239-3C>T (NM_001164780.2); c.566-3C>T (NM_001164781.2); c.70-10011C>T (NM_001164777.2); c.611-3C>T (NM_030660.5); and 5 more.
Identifiers: ClinVar variation 1048571 (VCV001048571.6), dbSNP rs201992162, ClinGen allele CA7314506.